The following is an entry in ClinVar:

NM_001130823.3(DNMT1):c.748G>A (p.Glu250Lys)

Gene: DNMT1 (DNA methyltransferase 1; minus strand). Cytogenetic location: 19p13.2.
Variant type: single nucleotide variant.
Coding change: c.748G>A on transcript NM_001130823.3 (MANE Select); coding-DNA position 748, G replaced by A.
Protein change: p.Glu250Lys; replaces glutamic acid 250 with lysine.
Molecular consequence: missense variant.
Genome position (GRCh38, 1-based): chr19:10,173,110, C>T on the plus strand (G>A on the coding strand, the complement: DNMT1 is on the minus strand). VCF-style: chr19-10173110-C-T. GRCh37 (hg19) VCF-style: chr19-10283786-C-T.
Other names: c.700G>A, p.Glu234Lys (NM_001318730.2, NM_001379.4); c.385G>A, p.Glu129Lys (NM_001318731.2); short protein forms E129K, E234K, E250K.
Identifiers: ClinVar variation 1979819 (VCV001979819.4), dbSNP rs1353668988, ClinGen allele CA403943442.

ClinVar aggregate classification (germline): Uncertain significance (1 of 4 stars; one submission).

Conditions:
Hereditary sensory neuropathy-deafness-dementia syndrome. Also called: NEUROPATHY, HEREDITARY SENSORY, WITH HEARING LOSS AND DEMENTIA; HSN IE; Hereditary sensory neuropathy type IE; Hereditary Sensory and Autonomic Neuropathy Type 1E (HSAN1E). Identifiers: Orphanet 456318, MedGen C3279885, MONDO:0013584, OMIM 614116.

Allele frequency attached by ClinVar (database versions not stated): gnomAD exomes below 0.00001.
gnomAD v4.1: 2 of 1,614,114 alleles (0.00012%); highest among the groups gnomAD compares: Admixed American, 0.0017%; no homozygotes.

Submission:

Labcorp Genetics (formerly Invitae), Labcorp
Classification: Uncertain significance for Hereditary sensory neuropathy-deafness-dementia syndrome. Last evaluated: 2023-10-13. Review status: criteria provided, single submitter. Criteria: Invitae Variant Classification Sherloc (09022015). Collection method: clinical testing. Allele origin: germline.
Comment: This sequence change replaces glutamic acid, which is acidic and polar, with lysine, which is basic and polar, at codon 250 of the DNMT1 protein (p.Glu250Lys). This variant is present in population databases (no rsID available, gnomAD 0.003%). This variant has not been reported in the literature in individuals affected with DNMT1-related conditions. ClinVar contains an entry for this variant (Variation ID: 1979819). An algorithm developed to predict the effect of missense changes on protein structure and function (PolyPhen-2) suggests that this variant is likely to be tolerated. In summary, the available evidence is currently insufficient to determine the role of this variant in disease. Therefore, it has been classified as a Variant of Uncertain Significance.